The following is an entry in ClinVar:

NM_182641.4(BPTF):c.8454+1G>A

Gene: BPTF (bromodomain PHD finger transcription factor; plus strand). Cytogenetic location: 17q24.2.
Variant type: single nucleotide variant.
Coding change: c.8454+1G>A on transcript NM_182641.4 (MANE Select); the canonical splice donor site of the intron after coding-DNA position 8454, G replaced by A.
Molecular consequence: splice donor variant.
Genome position (GRCh38, 1-based): chr17:67,964,405, G>A. VCF-style: chr17-67964405-G-A. GRCh37 (hg19) VCF-style: chr17-65960521-G-A.
Other names: c.8577+1G>A (NM_001439140.1); c.8403+1G>A (NM_004459.7, NM_001439142.1); c.8550+1G>A (NM_001439141.1); c.8643+1G>A (NM_001439139.1); c.8214+1G>A (NM_001439144.1, NM_001439143.1).
Identifiers: ClinVar variation 5042577 (VCV005042577.1).

ClinVar aggregate classification (germline): Likely pathogenic (1 of 4 stars; one submission).

Conditions:
Neurodevelopmental disorder with dysmorphic facies and distal limb anomalies. Identifiers: Orphanet 686482, MedGen C4540327, MONDO:0060596, OMIM 617755.

Submission:

UAEU Genomics Laboratory, United Arab Emirates University
Classification: Likely pathogenic for Neurodevelopmental disorder with dysmorphic facies and distal limb anomalies. Last evaluated: 2024-05-09. Review status: criteria provided, single submitter. Criteria: ACMG Guidelines, 2015. Collection method: research. Allele origin: de novo. Affected: yes. Observed: 1 variant allele.
Comment: PM2, PVS1, PM6